The following is an entry in ClinVar:

ClinVar aggregate classification (germline): Uncertain significance. Review status: criteria provided, single submitter (1 of 4 stars). 2 submissions from 2 submitters: Uncertain significance (1). 1 of the submissions does not count toward it. Last evaluated 2022-12-18.

Allele frequency attached by ClinVar (database versions not stated): TOPMed below 0.00001; gnomAD 0.00001.
gnomAD v4.1: 4 of 1,614,008 alleles (0.00025%); highest among the groups gnomAD compares: Non-Finnish European, 0.00034%; no homozygotes.

Submissions (2):

Labcorp Genetics (formerly Invitae), Labcorp
Classification: Uncertain significance. Last evaluated: 2022-12-18. Review status: criteria provided, single submitter. Criteria: Invitae Variant Classification Sherloc (09022015). Collection method: clinical testing. Allele origin: germline.
Comment: This sequence change replaces proline, which is neutral and non-polar, with leucine, which is neutral and non-polar, at codon 868 of the REST protein (p.Pro868Leu). This variant is present in population databases (no rsID available, gnomAD 0.0009%). In summary, the available evidence is currently insufficient to determine the role of this variant in disease. Therefore, it has been classified as a Variant of Uncertain Significance. Algorithms developed to predict the effect of missense changes on protein structure and function are either unavailable or do not agree on the potential impact of this missense change (SIFT: "Deleterious"; PolyPhen-2: "Probably Damaging"; Align-GVGD: "Class C0"). ClinVar contains an entry for this variant (Variation ID: 1050641). This variant has not been reported in the literature in individuals affected with REST-related conditions.

Department of Pathology and Laboratory Medicine, Sinai Health System
Classification: Uncertain significance. Review status: no assertion criteria provided. Collection method: clinical testing. Allele origin: unknown. Affected: yes. Study: The Canadian Open Genetics Repository (COGR). Not counted in ClinVar's aggregate classification.
Comment: The REST p.Pro868Leu variant was not identified in the literature nor was it identified in ClinVar. The variant was identified in dbSNP (ID: rs753496340) and in control databases in 1 of 236468 chromosomes at a frequency of 0.000004229 (Genome Aggregation Database March 6, 2019, v2.1.1, non-cancer). The variant was observed in the European (non-Finnish) population in 1 of 102378 chromosomes (freq: 0.00001), but was not observed in the African, Latino, Ashkenazi Jewish, East Asian, European (Finnish), Other, or South Asian populations. The p.Pro868 residue is conserved in mammals and computational analyses (PolyPhen-2, SIFT, AlignGVGD, BLOSUM, MutationTaster) provide inconsistent predictions regarding the impact to the protein; this information is not very predictive of pathogenicity. The variant occurs outside of the splicing consensus sequence and in silico or computational prediction software programs (SpliceSiteFinder, MaxEntScan, NNSPLICE, GeneSplicer) do not predict a difference in splicing. In summary, based on the above information the clinical significance of this variant cannot be determined with certainty at this time. This variant is classified as a variant of uncertain significance.

NM_005612.5(REST):c.2603C>T (p.Pro868Leu)

Gene: REST (RE1 silencing transcription factor; plus strand). Cytogenetic location: 4q12.
Variant type: single nucleotide variant.
Coding change: c.2603C>T on transcript NM_005612.5 (MANE Select); coding-DNA position 2603, C replaced by T.
Protein change: p.Pro868Leu; replaces proline 868 with leucine.
Molecular consequence: missense variant.
Genome position (GRCh38, 1-based): chr4:56,931,461, C>T. VCF-style: chr4-56931461-C-T. GRCh37 (hg19) VCF-style: chr4-57797627-C-T.
Other names: c.2603C>T, p.Pro868Leu (NM_001363453.3, NM_001193508.2); short protein forms P868L.
Identifiers: ClinVar variation 1050641 (VCV001050641.4), dbSNP rs753496340, ClinGen allele CA357009138.